The following is an entry in ClinVar:

ClinVar aggregate classification (germline): Likely benign. Review status: criteria provided, single submitter (1 of 4 stars). 2 submissions from 2 submitters: Likely benign (1). 1 of the submissions does not count toward it. Last evaluated 2022-11-22.

Conditions:
PCNT-related disorder. Also called: PCNT-related condition.

Allele frequency attached by ClinVar (database versions not stated): gnomAD exomes below 0.00001; TOPMed below 0.00001.
gnomAD v4.1: 4 of 1,614,034 alleles (0.00025%); highest among the groups gnomAD compares: Non-Finnish European, 0.00034%; no homozygotes.

Submissions (2):

Labcorp Genetics (formerly Invitae), Labcorp
Classification: Likely benign. Last evaluated: 2022-11-22. Review status: criteria provided, single submitter. Criteria: Invitae Variant Classification Sherloc (09022015). Collection method: clinical testing. Allele origin: germline.

PreventionGenetics, part of Exact Sciences
Classification: Likely benign for PCNT-related condition. Last evaluated: 2023-02-27. Review status: no assertion criteria provided. Collection method: clinical testing. Allele origin: germline. Not counted in ClinVar's aggregate classification.
Comment: This variant is classified as likely benign based on ACMG/AMP sequence variant interpretation guidelines (Richards et al. 2015 PMID: 25741868, with internal and published modifications).

NM_006031.6(PCNT):c.3810C>T (p.Leu1270=)

Gene: PCNT (pericentrin; plus strand). Cytogenetic location: 21q22.3.
Variant type: single nucleotide variant.
Coding change: c.3810C>T on transcript NM_006031.6 (MANE Select); coding-DNA position 3810, C replaced by T.
Protein change: p.Leu1270=; no amino-acid change (leucine 1270 retained).
Molecular consequence: synonymous variant.
Genome position (GRCh38, 1-based): chr21:46,389,401, C>T. VCF-style: chr21-46389401-C-T. GRCh37 (hg19) VCF-style: chr21-47809316-C-T.
Other names: c.3810C>T (NM_006031.5); c.3456C>T, p.Leu1152= (NM_001315529.2).
Identifiers: ClinVar variation 1560407 (VCV001560407.10), dbSNP rs1189912868, ClinGen allele CA513173761.